The following is an entry in ClinVar:

NM_194248.3(OTOF):c.490G>T (p.Gly164Ter)

Gene: OTOF (otoferlin; minus strand). Cytogenetic location: 2p23.3.
Variant type: single nucleotide variant.
Coding change: c.490G>T on transcript NM_194248.3 (MANE Select); coding-DNA position 490, G replaced by T.
Protein change: p.Gly164Ter; replaces glycine 164 with a stop codon.
Molecular consequence: nonsense.
Genome position (GRCh38, 1-based): chr2:26,516,437, C>A on the plus strand (G>T on the coding strand, the complement: OTOF is on the minus strand). VCF-style: chr2-26516437-C-A. GRCh37 (hg19) VCF-style: chr2-26739305-C-A.
Other names: c.490G>T, p.Gly164Ter (NM_001287489.2); short protein forms G164*.
Identifiers: ClinVar variation 2789894 (VCV002789894.3), dbSNP rs1337721316, ClinGen allele CA346139267.

ClinVar aggregate classification (germline): Pathogenic (1 of 4 stars; one submission).

Allele frequency attached by ClinVar (database versions not stated): gnomAD 0.00001; TOPMed 0.00001.
gnomAD v4.1: 1 of 1,613,876 alleles (0.000062%); highest among the groups gnomAD compares: African/African-American, 0.0013%; no homozygotes.

Submission:

Labcorp Genetics (formerly Invitae), Labcorp
Classification: Pathogenic. Last evaluated: 2023-09-29. Review status: criteria provided, single submitter. Criteria: Invitae Variant Classification Sherloc (09022015). Collection method: clinical testing. Allele origin: germline.
Comment: This sequence change creates a premature translational stop signal (p.Gly164*) in the OTOF gene. It is expected to result in an absent or disrupted protein product. Loss-of-function variants in OTOF are known to be pathogenic (PMID: 18381613, 19250381, 22575033). This variant is present in population databases (no rsID available, gnomAD 0.01%). This variant has not been reported in the literature in individuals affected with OTOF-related conditions. For these reasons, this variant has been classified as Pathogenic.

Literature cited by the submitters: PubMed 18381613; PubMed 19250381; PubMed 22575033.